The following is an entry in ClinVar:

ClinVar aggregate classification (germline): Conflicting classifications of pathogenicity. Review status: criteria provided, conflicting classifications (1 of 4 stars). 4 submissions from 4 submitters: Uncertain significance (1); Likely benign (3). Last evaluated 2024-11-11.

Conditions:
Landau-Kleffner syndrome (FESD). Also called: EPILEPSY, FOCAL, WITH SPEECH DISORDER AND WITH OR WITHOUT MENTAL RETARDATION; APHASIA, ACQUIRED, WITH EPILEPSY. Identifiers: Orphanet 1945, Orphanet 725, Orphanet 98818, MedGen C0282512, MONDO:0009509, OMIM 245570.

Allele frequency attached by ClinVar (database versions not stated): gnomAD exomes 0.00002 and 0.00005; TOPMed 0.00003; ESP Exome Variant Server 0.00008; gnomAD 0.00002.
gnomAD v4.1: 72 of 1,613,458 alleles (0.0045%); highest among the groups gnomAD compares: Non-Finnish European, 0.0058%; no homozygotes.

Submissions (4):

Labcorp Genetics (formerly Invitae), Labcorp
Classification: Likely benign for Landau-Kleffner syndrome. Last evaluated: 2024-11-11. Review status: criteria provided, single submitter. Criteria: Invitae Variant Classification Sherloc (09022015). Collection method: clinical testing. Allele origin: germline.

CeGaT Center for Human Genetics Tuebingen
Classification: Likely benign. Last evaluated: 2023-11-01. Review status: criteria provided, single submitter. Criteria: CeGaT Center For Human Genetics Tuebingen Variant Classification Criteria Version 2. Collection method: clinical testing. Allele origin: germline. Affected: yes. Observed: 1 variant allele.
Comment: GRIN2A: BP4

GeneDx
Classification: Likely benign. Last evaluated: 2019-05-30. Review status: criteria provided, single submitter. Criteria: GeneDx Variant Classification Process June 2021. Collection method: clinical testing. Allele origin: germline. Affected: yes.

Illumina Laboratory Services, Illumina
Classification: Uncertain significance for Landau-Kleffner syndrome. Last evaluated: 2018-01-13. Review status: criteria provided, single submitter. Criteria: ICSL Variant Classification Criteria 13 December 2019. Collection method: clinical testing. Allele origin: germline.

NM_001134407.3(GRIN2A):c.1380C>T (p.Cys460=)

Gene: GRIN2A (glutamate ionotropic receptor NMDA type subunit 2A; minus strand). Cytogenetic location: 16p13.2.
Variant type: single nucleotide variant.
Coding change: c.1380C>T on transcript NM_001134407.3 (MANE Select); coding-DNA position 1380, C replaced by T.
Protein change: p.Cys460=; no amino-acid change (cysteine 460 retained).
Molecular consequence: synonymous variant.
Genome position (GRCh38, 1-based): chr16:9,841,053, G>A on the plus strand (C>T on the coding strand, the complement: GRIN2A is on the minus strand). VCF-style: chr16-9841053-G-A. GRCh37 (hg19) VCF-style: chr16-9934910-G-A.
Other names: c.1380C>T, p.Cys460= (NM_000833.5, NM_001134408.2).
Identifiers: ClinVar variation 321614 (VCV000321614.37), dbSNP rs375291296, ClinGen allele CA10648501.